The following is an entry in ClinVar:

ClinVar aggregate classification (germline): Benign (1 of 4 stars; one submission).

Allele frequency attached by ClinVar (database versions not stated): TOPMed 0.11864; gnomAD 0.12302; 1000 Genomes Project 0.12979; 1000 Genomes Project 30x 0.13179.
gnomAD v4.1: 18,545 of 152,156 alleles (12%); highest among the groups gnomAD compares: African/African-American, 16%; 1,197 homozygotes.

Submission:

GeneDx
Classification: Benign. Last evaluated: 2018-06-19. Review status: criteria provided, single submitter. Criteria: GeneDx Variant Classification (06012015). Collection method: clinical testing. Allele origin: germline. Affected: yes.
Comment: This variant is considered likely benign or benign based on one or more of the following criteria: it is a conservative change, it occurs at a poorly conserved position in the protein, it is predicted to be benign by multiple in silico algorithms, and/or has population frequency not consistent with disease.

NM_005045.4(RELN):c.8275-242G>A

Genes: RELN (reelin; minus strand), SLC26A5-AS1 (SLC26A5 antisense RNA 1; plus strand). Cytogenetic location: 7q22.1.
Variant type: single nucleotide variant.
Coding change: c.8275-242G>A on transcript NM_005045.4 (MANE Select); 242 bases into the intron before coding-DNA position 8275, G replaced by A.
Molecular consequence: intron variant.
Genome position (GRCh38, 1-based): chr7:103,503,472, C>T on the plus strand (G>A on the coding strand, the complement: RELN is on the minus strand). VCF-style: chr7-103503472-C-T. GRCh37 (hg19) VCF-style: chr7-103143919-C-T.
Other names: c.8275-242G>A (NM_173054.3).
Identifiers: ClinVar variation 669138 (VCV000669138.1), dbSNP rs75302567, ClinGen allele CA163913563.